The following is an entry in ClinVar:

NM_024675.4(PALB2):c.2780A>C (p.Asp927Ala)

Gene: PALB2 (partner and localizer of BRCA2; minus strand). Cytogenetic location: 16p12.2.
Variant type: single nucleotide variant.
Coding change: c.2780A>C on transcript NM_024675.4 (MANE Select); coding-DNA position 2780, A replaced by C.
Protein change: p.Asp927Ala; replaces aspartic acid 927 with alanine.
Molecular consequence: missense variant.
Genome position (GRCh38, 1-based): chr16:23,624,063, T>G on the plus strand (A>C on the coding strand, the complement: PALB2 is on the minus strand). VCF-style: chr16-23624063-T-G. GRCh37 (hg19) VCF-style: chr16-23635384-T-G.
Other names: short protein forms D927A.
Identifiers: ClinVar variation 1391988 (VCV001391988.7), dbSNP rs62625280, ClinGen allele CA395145110.

ClinVar aggregate classification (germline): Uncertain significance (1 of 4 stars; one submission).

Conditions:
Familial cancer of breast. Also called: hereditary breast carcinoma; BREAST CANCER, FAMILIAL; Hereditary breast cancer. Identifiers: Orphanet 227535, MedGen C0346153, MONDO:0016419, OMIM 114480. Disease mechanism: loss of function.

Submission:

Labcorp Genetics (formerly Invitae), Labcorp
Classification: Uncertain significance for Familial cancer of breast. Last evaluated: 2025-11-28. Review status: criteria provided, single submitter. Criteria: Invitae Variant Classification Sherloc (09022015). Collection method: clinical testing. Allele origin: germline.
Comment: This sequence change replaces aspartic acid, which is acidic and polar, with alanine, which is neutral and non-polar, at codon 927 of the PALB2 protein (p.Asp927Ala). This variant is not present in population databases (gnomAD no frequency). This variant has not been reported in the literature in individuals affected with PALB2-related conditions. ClinVar contains an entry for this variant (Variation ID: 1391988). Invitae Evidence Modeling of protein sequence and biophysical properties (such as structural, functional, and spatial information, amino acid conservation, physicochemical variation, residue mobility, and thermodynamic stability) indicates that this missense variant is expected to disrupt PALB2 protein function with a positive predictive value of 80%. In summary, the available evidence is currently insufficient to determine the role of this variant in disease. Therefore, it has been classified as a Variant of Uncertain Significance.